The following is an entry in ClinVar:

NM_001385641.1(SAMD11):c.1336G>A (p.Ala446Thr)

Gene: SAMD11 (sterile alpha motif domain containing 11; plus strand). Cytogenetic location: 1p36.33.
Variant type: single nucleotide variant.
Coding change: c.1336G>A on transcript NM_001385641.1 (MANE Select); coding-DNA position 1336, G replaced by A.
Protein change: p.Ala446Thr; replaces alanine 446 with threonine.
Molecular consequence: missense variant.
Genome position (GRCh38, 1-based): chr1:941,284, G>A. VCF-style: chr1-941284-G-A. GRCh37 (hg19) VCF-style: chr1-876664-G-A.
Other names: c.1339G>A, p.Ala447Thr (NM_001385640.1); c.847G>A, p.Ala283Thr (NM_152486.4); short protein forms A283T, A446T, A447T.
Identifiers: ClinVar variation 1006858 (VCV001006858.12), dbSNP rs571654307, ClinGen allele CA502825.
Genomic context (GRCh38, chr1:941,284, plus strand): 5'-ACGGCAGGTCAGCGTCGGAAGCAGGGCCTGGCTCAGCACCGGGAGGGCGCCGCCCCAGCT[G>A]CCGCCCCGTCCTTCTCGGAGAGGTACTGGGGTGGCTGCCGTTCTCTGCTTGTTTCTGGGG-3'
Protein context (NP_001372570.1, residues 436-456): AQHREGAAPA[Ala446Thr]APSFSERELP

ClinVar aggregate classification (germline): Conflicting classifications of pathogenicity. Review status: criteria provided, conflicting classifications (1 of 4 stars). 3 submissions from 3 submitters: Uncertain significance (2); Likely benign (1). Last evaluated 2024-08-20.

Allele frequency attached by ClinVar (database versions not stated): gnomAD below 0.00001 and 0.00003; TOPMed 0.00001; gnomAD exomes 0.00011; ExAC 0.00021; 1000 Genomes Project 30x 0.00047; 1000 Genomes Project 0.00060.
gnomAD v4.1: 88 of 1,593,266 alleles (0.0055%); highest among the groups gnomAD compares: South Asian, 0.097%; 1 homozygote.

Submissions (3):

Ambry Genetics
Classification: Uncertain significance. Last evaluated: 2024-08-20. Review status: criteria provided, single submitter. Criteria: Ambry Variant Classification Scheme 2023. Collection method: clinical testing. Allele origin: germline.

Labcorp Genetics (formerly Invitae), Labcorp
Classification: Uncertain significance. Last evaluated: 2022-08-09. Review status: criteria provided, single submitter. Criteria: Invitae Variant Classification Sherloc (09022015). Collection method: clinical testing. Allele origin: germline.
Comment: In summary, the available evidence is currently insufficient to determine the role of this variant in disease. Therefore, it has been classified as a Variant of Uncertain Significance. Algorithms developed to predict the effect of missense changes on protein structure and function output the following: SIFT: "Tolerated"; PolyPhen-2: "Benign"; Align-GVGD: "Class C0". The threonine amino acid residue is found in multiple mammalian species, which suggests that this missense change does not adversely affect protein function. ClinVar contains an entry for this variant (Variation ID: 1006858). This variant has not been reported in the literature in individuals affected with SAMD11-related conditions. This variant is present in population databases (rs571654307, gnomAD 0.08%). This sequence change replaces alanine, which is neutral and non-polar, with threonine, which is neutral and polar, at codon 283 of the SAMD11 protein (p.Ala283Thr).

Dubai Health Genomic Medicine Center, Dubai Health
Classification: Likely benign. Last evaluated: 2020-06-30. Review status: criteria provided, single submitter. Criteria: ACMG Guidelines, 2015. Collection method: clinical testing. Allele origin: germline. Affected: yes.